The following is an entry in ClinVar:

NM_032482.3(DOT1L):c.*840A>G

Genes: DOT1L (DOT1 like histone lysine methyltransferase; plus strand), PLEKHJ1 (pleckstrin homology domain containing J1; minus strand). Cytogenetic location: 19p13.3.
Variant type: single nucleotide variant.
Coding change: c.*840A>G on transcript NM_032482.3 (MANE Select); 840 bases downstream of the stop codon, A replaced by G.
Molecular consequence: 3 prime UTR variant. On other transcripts: intron variant (1).
Genome position (GRCh38, 1-based): chr19:2,230,632, A>G. VCF-style: chr19-2230632-A-G. GRCh37 (hg19) VCF-style: chr19-2230631-A-G.
Other names: c.*2285A>G (NM_001411141.1); c.385-20T>C (NM_001300836.3).
Identifiers: ClinVar variation 4887501 (VCV004887501.1).
Genomic context (GRCh38, chr19:2,230,632, plus strand): 5'-CTGCGATGCGGGGCAGGCCTGTCGTGGGTCCCTTGGTGTTTCTGTACAGGAGAGAGTCAC[A>G]CTAATGAGTGGCAGTATTTTATAGAGATGTGATGAGAATTTATAAATTTCATAGATTTGA-3'

ClinVar aggregate classification (germline): Uncertain significance (1 of 4 stars; one submission).

gnomAD v4.1: 5 of 398,526 alleles (0.0013%); highest among the groups gnomAD compares: Admixed American, 0.0044%; no homozygotes.

Submission:

Women's Health and Genetics/Laboratory Corporation of America, LabCorp
Classification: Uncertain significance. Last evaluated: 2026-06-04. Review status: criteria provided, single submitter. Criteria: LabCorp Variant Classification Summary - May 2015. Collection method: clinical testing. Allele origin: germline.
Comment: Variant summary: DOT1L c.*840A>G is located in the untranslated mRNA region downstream of the termination codon. The variant allele was found at a frequency of 3.2e-05 in 31400 control chromosomes. The available data on variant occurrences in the general population are insufficient to allow any conclusion about variant significance. To our knowledge, no occurrence of c.*840A>G in individuals affected with DOT1L-related conditions and no experimental evidence demonstrating its impact on protein function have been reported. No submitters have cited clinical-significance assessments for this variant to ClinVar. Based on the evidence outlined above, the variant was classified as uncertain significance.